The following is an entry in ClinVar:

ClinVar aggregate classification (germline): Uncertain significance (1 of 4 stars; one submission).

Conditions:
Combined immunodeficiency due to LRBA deficiency. Also called: Common variable immunodeficiency 8, with autoimmunity. Identifiers: Orphanet 445018, MedGen C3553512, MONDO:0013863, OMIM 614700.

Submission:

Labcorp Genetics (formerly Invitae), Labcorp
Classification: Uncertain significance for Combined immunodeficiency due to LRBA deficiency. Last evaluated: 2022-11-08. Review status: criteria provided, single submitter. Criteria: Invitae Variant Classification Sherloc (09022015). Collection method: clinical testing. Allele origin: germline.
Comment: This variant has not been reported in the literature in individuals affected with LRBA-related conditions. This variant is not present in population databases (gnomAD no frequency). This sequence change replaces asparagine, which is neutral and polar, with isoleucine, which is neutral and non-polar, at codon 208 of the LRBA protein (p.Asn208Ile). ClinVar contains an entry for this variant (Variation ID: 1025799). In summary, the available evidence is currently insufficient to determine the role of this variant in disease. Therefore, it has been classified as a Variant of Uncertain Significance. Advanced modeling of protein sequence and biophysical properties (such as structural, functional, and spatial information, amino acid conservation, physicochemical variation, residue mobility, and thermodynamic stability) performed at Invitae indicates that this missense variant is not expected to disrupt LRBA protein function.

NM_001364905.1(LRBA):c.623A>T (p.Asn208Ile)

Gene: LRBA (LPS responsive beige-like anchor protein; minus strand). Cytogenetic location: 4q31.3.
Variant type: single nucleotide variant.
Coding change: c.623A>T on transcript NM_001364905.1 (MANE Select); coding-DNA position 623, A replaced by T.
Protein change: p.Asn208Ile; replaces asparagine 208 with isoleucine.
Molecular consequence: missense variant.
Genome position (GRCh38, 1-based): chr4:150,921,220, T>A on the plus strand (A>T on the coding strand, the complement: LRBA is on the minus strand). VCF-style: chr4-150921220-T-A. GRCh37 (hg19) VCF-style: chr4-151842372-T-A.
Other names: c.623A>T, p.Asn208Ile (NM_001199282.3, NM_001367550.1, NM_006726.5); short protein forms N208I.
Identifiers: ClinVar variation 1025799 (VCV001025799.8), dbSNP rs367554815, ClinGen allele CA358437221.
Genomic context (GRCh38, chr4:150,921,220, plus strand): 5'-AAGAACTGGGAGTGATTTCCTCATTAATATTTACTTACTGCAGCACTCTTTCCTGGAAAG[T>A]TAAAAAAGGCATCAGGACCATACTTCTGAGGCATATGCTTTAACACAGACAGCAACTTCC-3'
Protein context (NP_001351834.1, residues 198-218): PQKYGPDAFF[Asn208Ile]FPGKSAAAIA